The following is an entry in ClinVar:

ClinVar aggregate classification (germline): Likely benign (1 of 4 stars; one submission).

Submission:

CeGaT Center for Human Genetics Tuebingen
Classification: Likely benign. Last evaluated: 2026-05-01. Review status: criteria provided, single submitter. Criteria: CeGaT Center For Human Genetics Tuebingen Variant Classification Criteria Version 2. Collection method: clinical testing. Allele origin: germline. Affected: yes. Observed: 1 variant allele.
Comment: SLC6A8: PM2:Supporting, BP4, BP7

NM_005629.4(SLC6A8):c.1722G>C (p.Leu574=)

Gene: SLC6A8 (solute carrier family 6 member 8; plus strand). Cytogenetic location: Xq28.
Variant type: single nucleotide variant.
Coding change: c.1722G>C on transcript NM_005629.4 (MANE Select); coding-DNA position 1722, G replaced by C.
Protein change: p.Leu574=; no amino-acid change (leucine 574 retained).
Molecular consequence: synonymous variant.
Genome position (GRCh38, 1-based): chrX:153,694,844, G>C. VCF-style: chrX-153694844-G-C. GRCh37 (hg19) VCF-style: chrX-152960299-G-C.
Other names: c.1692G>C, p.Leu564= (NM_001142805.2); c.1377G>C, p.Leu459= (NM_001142806.1).
Identifiers: ClinVar variation 4873866 (VCV004873866.2).